The following is an entry in ClinVar:

NM_020911.2(PLXNA4):c.5010C>T (p.Ser1670=)

Gene: PLXNA4 (plexin A4; minus strand). Cytogenetic location: 7q32.3.
Variant type: single nucleotide variant.
Coding change: c.5010C>T on transcript NM_020911.2 (MANE Select); coding-DNA position 5010, C replaced by T.
Protein change: p.Ser1670=; no amino-acid change (serine 1670 retained).
Molecular consequence: synonymous variant.
Genome position (GRCh38, 1-based): chr7:132,146,555, G>A on the plus strand (C>T on the coding strand, the complement: PLXNA4 is on the minus strand). VCF-style: chr7-132146555-G-A. GRCh37 (hg19) VCF-style: chr7-131831314-G-A.
Other names: c.5010C>T, p.Ser1670= (NM_001393897.1).
Identifiers: ClinVar variation 5000025 (VCV005000025.1).

ClinVar aggregate classification (germline): Likely benign (1 of 4 stars; one submission).

Conditions:
PLXNA4-related disorder. Also called: PLXNA4-related condition.

gnomAD v4.1: 2 of 1,614,098 alleles (0.00012%); highest among the groups gnomAD compares: Non-Finnish European, 0.00017%; no homozygotes.

Submission:

PreventionGenetics, part of Exact Sciences
Classification: Likely benign for PLXNA4-related condition. Last evaluated: 2025-03-04. Review status: criteria provided, single submitter. Criteria: ACMG Guidelines, 2015. Collection method: clinical testing. Allele origin: germline.
Comment: This variant is classified as likely benign based on ACMG/AMP sequence variant interpretation guidelines (Richards et al. 2015 PMID: 25741868, with internal and published modifications).